The following is an entry in ClinVar:

ClinVar aggregate classification (germline): Uncertain significance (1 of 4 stars; one submission).

Conditions:
Autosomal recessive limb-girdle muscular dystrophy type 2L (LGMDR12). Also called: Limb-Girdle Muscular Dystrophy R12 Anoctamin-5-Related (LGMD-R12); MUSCULAR DYSTROPHY, LIMB-GIRDLE, AUTOSOMAL RECESSIVE 12; Limb-girdle muscular dystrophy, type 2L. Identifiers: Orphanet 206549, MedGen C1969785, MONDO:0012652, OMIM 611307.
Gnathodiaphyseal dysplasia (GDD). Also called: GNATHODIAPHYSEAL SCLEROSIS; OSTEOGENESIS IMPERFECTA WITH UNUSUAL SKELETAL LESIONS. Identifiers: Orphanet 53697, MedGen C1833736, MONDO:0008151, OMIM 166260.

Allele frequency attached by ClinVar (database versions not stated): ExAC 0.00001.

Submission:

Labcorp Genetics (formerly Invitae), Labcorp
Classification: Uncertain significance for Autosomal recessive limb-girdle muscular dystrophy type 2L; Gnathodiaphyseal dysplasia. Last evaluated: 2023-07-12. Review status: criteria provided, single submitter. Criteria: Invitae Variant Classification Sherloc (09022015). Collection method: clinical testing. Allele origin: germline.
Comment: This variant is present in population databases (rs758299540, gnomAD 0.0009%). This variant has been observed in individual(s) with autosomal recessive muscular dystrophy (PMID: 22402862). Algorithms developed to predict the effect of sequence changes on RNA splicing suggest that this variant may create or strengthen a splice site. In summary, the available evidence is currently insufficient to determine the role of this variant in disease. Therefore, it has been classified as a Variant of Uncertain Significance. This sequence change falls in intron 17 of the ANO5 gene. It does not directly change the encoded amino acid sequence of the ANO5 protein.

Literature cited by the submitters: PubMed 22402862.

NM_213599.3(ANO5):c.1899-4A>G

Gene: ANO5 (anoctamin 5; plus strand). Cytogenetic location: 11p14.3.
Variant type: single nucleotide variant.
Coding change: c.1899-4A>G on transcript NM_213599.3 (MANE Select); 4 bases into the intron before coding-DNA position 1899, A replaced by G.
Molecular consequence: intron variant.
Genome position (GRCh38, 1-based): chr11:22,270,308, A>G. VCF-style: chr11-22270308-A-G. GRCh37 (hg19) VCF-style: chr11-22291854-A-G.
Other names: c.1857-4A>G (NM_001410963.1); c.1896-4A>G (NM_001142649.2); c.1854-4A>G (NM_001410964.1).
Identifiers: ClinVar variation 2925468 (VCV002925468.3), dbSNP rs758299540, ClinGen allele CA5923404.